The following is an entry in ClinVar:

NM_004006.3(DMD):c.5012T>A (p.Leu1671Ter)

Gene: DMD (dystrophin; minus strand). Cytogenetic location: Xp21.1.
Variant type: single nucleotide variant.
Coding change: c.5012T>A on transcript NM_004006.3 (MANE Select); coding-DNA position 5012, T replaced by A.
Protein change: p.Leu1671Ter; replaces leucine 1671 with a stop codon.
Molecular consequence: nonsense.
Genome position (GRCh38, 1-based): chrX:32,365,033, A>T on the plus strand (T>A on the coding strand, the complement: DMD is on the minus strand). VCF-style: chrX-32365033-A-T. GRCh37 (hg19) VCF-style: chrX-32383150-A-T.
Other names: c.4988T>A, p.Leu1663Ter (NM_000109.4); c.5000T>A, p.Leu1667Ter (NM_004009.3); c.4643T>A, p.Leu1548Ter (NM_004010.3); c.989T>A, p.Leu330Ter (NM_004011.4); c.980T>A, p.Leu327Ter (NM_004012.4); short protein forms L1548*, L1663*, L1667*, L1671*, L327*, L330*.
Identifiers: ClinVar variation 983660 (VCV000983660.4), dbSNP rs2097849676, ClinGen allele CA412671775.

ClinVar aggregate classification (germline): Likely pathogenic (1 of 4 stars; one submission).

Conditions:
Progressive muscular dystrophy. Identifiers: Orphanet 206644, MedGen C4551827, MONDO:0016106.

Submission:

Myriad Genetics, Inc.
Classification: Likely pathogenic for Progressive muscular dystrophy. Last evaluated: 2019-07-24. Review status: criteria provided, single submitter. Criteria: Myriad Autosomal Dominant, Autosomal Recessive and X-Linked Classification Criteria (2023). Collection method: clinical testing. Allele origin: unknown.
Comment: NM_004006.2(DMD):c.5012T>A(L1671*) is expected to be pathogenic in the context of dystrophinopathy (including Duchenne/Becker muscular dystrophy). This variant is predicted to lead to an abnormal or absent protein product due to the creation of a premature termination codon in DMD, a gene where loss-of-function variants are known to be pathogenic. Please note: this variant was assessed in the context of healthy population screening.